The following is an entry in ClinVar:

NM_001267550.2(TTN):c.68068A>T (p.Lys22690Ter)

Genes: TTN (titin; minus strand), TTN-AS1 (TTN antisense RNA 1; plus strand), LOC126806423 (CDK7 strongly-dependent group 2 enhancer GRCh37_chr2:179443309-179444508; plus strand). Cytogenetic location: 2q31.2.
Variant type: single nucleotide variant.
Coding change: c.68068A>T on transcript NM_001267550.2 (MANE Select); coding-DNA position 68068, A replaced by T.
Protein change: p.Lys22690Ter; replaces lysine 22690 with a stop codon.
Molecular consequence: nonsense.
Genome position (GRCh38, 1-based): chr2:178,578,962, T>A on the plus strand (A>T on the coding strand, the complement: TTN is on the minus strand). VCF-style: chr2-178578962-T-A. GRCh37 (hg19) VCF-style: chr2-179443689-T-A.
Other names: c.63145A>T, p.Lys21049Ter (NM_001256850.1); c.40873A>T, p.Lys13625Ter (NM_003319.4); c.60364A>T, p.Lys20122Ter (NM_133378.4); c.41248A>T, p.Lys13750Ter (NM_133432.3); c.41449A>T, p.Lys13817Ter (NM_133437.4); short protein forms K13625*, K13750*, K13817*, K21049*, K22690*, K20122*.
Identifiers: ClinVar variation 4785029 (VCV004785029.1).

ClinVar aggregate classification (germline): Likely pathogenic (1 of 4 stars; one submission).

Conditions:
Autosomal recessive limb-girdle muscular dystrophy type 2J (LGMDR10). Also called: Limb-girdle muscular dystrophy, type 2J; MUSCULAR DYSTROPHY, LIMB-GIRDLE, AUTOSOMAL RECESSIVE 10. Identifiers: Orphanet 140922, MedGen C1837342, MONDO:0012127, OMIM 608807.
Dilated cardiomyopathy 1G (CMD1G). Identifiers: Orphanet 154, MedGen C1858763, MONDO:0011400, OMIM 604145.

Submission:

Labcorp Genetics (formerly Invitae), Labcorp
Classification: Likely pathogenic for Dilated cardiomyopathy 1G; Autosomal recessive limb-girdle muscular dystrophy type 2J. Last evaluated: 2025-05-14. Review status: criteria provided, single submitter. Criteria: Invitae Variant Classification Sherloc (09022015). Collection method: clinical testing. Allele origin: germline.
Comment: This sequence change creates a premature translational stop signal (p.Lys22690*) in the TTN gene. While this is not anticipated to result in nonsense mediated decay, it is expected to create a truncated TTN protein. This variant is not present in population databases (gnomAD no frequency). This variant has not been reported in the literature in individuals affected with TTN-related conditions. This variant is located in the A band of TTN (PMID: 25589632). Truncating variants in this region are significantly overrepresented in patients affected with dilated cardiomyopathy (PMID: 25589632). Truncating variants in this region have also been reported in individuals affected with autosomal recessive centronuclear myopathy (PMID: 23975875). In summary, the currently available evidence indicates that the variant is pathogenic, but additional data are needed to prove that conclusively. Therefore, this variant has been classified as Likely Pathogenic.

Literature cited by the submitters: PubMed 25589632; PubMed 23975875.